The following is an entry in ClinVar:

NM_000264.5(PTCH1):c.1483T>C (p.Phe495Leu)

Gene: PTCH1 (patched 1; minus strand). Cytogenetic location: 9q22.32.
Variant type: single nucleotide variant.
Coding change: c.1483T>C on transcript NM_000264.5 (MANE Select); coding-DNA position 1483, T replaced by C.
Protein change: p.Phe495Leu; replaces phenylalanine 495 with leucine.
Molecular consequence: missense variant. On other transcripts: non-coding transcript variant (1), intron variant (1).
Genome position (GRCh38, 1-based): chr9:95,477,567, A>G on the plus strand (T>C on the coding strand, the complement: PTCH1 is on the minus strand). VCF-style: chr9-95477567-A-G. GRCh37 (hg19) VCF-style: chr9-98239849-A-G.
Other names: c.1285T>C, p.Phe429Leu (NM_001083602.3); c.1480T>C, p.Phe494Leu (NM_001083603.3); c.1030T>C, p.Phe344Leu (NM_001083604.3, NM_001083605.3, NM_001083606.3 and 1 more transcripts); c.1347+488T>C (NM_001354918.2); short protein forms F494L, F344L, F495L, F429L.
Identifiers: ClinVar variation 3427186 (VCV003427186.2).

ClinVar aggregate classification (germline): Uncertain significance. Review status: criteria provided, multiple submitters, no conflicts (2 of 4 stars). 2 submissions from 2 submitters: Uncertain significance (2). Last evaluated 2024-09-01.

Conditions:
Hereditary cancer-predisposing syndrome. Also called: Neoplastic Syndromes, Hereditary; Tumor predisposition; Hereditary Cancer Syndrome; Hereditary neoplastic syndrome. Identifiers: Orphanet 140162, MedGen C0027672, MeSH D009386, MONDO:0015356.

Submissions (2):

Ambry Genetics
Classification: Uncertain significance for Hereditary cancer-predisposing syndrome. Last evaluated: 2024-09-01. Review status: criteria provided, single submitter. Criteria: Ambry Variant Classification Scheme 2023. Collection method: clinical testing. Allele origin: germline.
Comment: The p.F495L variant (also known as c.1483T>C), located in coding exon 10 of the PTCH1 gene, results from a T to C substitution at nucleotide position 1483. The phenylalanine at codon 495 is replaced by leucine, an amino acid with highly similar properties. This amino acid position is conserved. In addition, the in silico prediction for this alteration is inconclusive. Based on the available evidence, the clinical significance of this variant remains unclear.

GeneDx
Classification: Uncertain significance. Last evaluated: 2024-07-09. Review status: criteria provided, single submitter. Criteria: GeneDx Variant Classification Process June 2021. Collection method: clinical testing. Allele origin: germline. Affected: yes.
Comment: Not observed at significant frequency in large population cohorts (gnomAD); In silico analysis supports that this missense variant has a deleterious effect on protein structure/function; Has not been previously published as pathogenic or benign to our knowledge; This variant is associated with the following publications: (PMID: 11369205)